The following is an entry in ClinVar:

NM_014712.3(SETD1A):c.3966del (p.Ala1323fs)

Gene: SETD1A (SET domain containing 1A, histone lysine methyltransferase; plus strand). Cytogenetic location: 16p11.2.
Variant type: Deletion.
Coding change: c.3966del on transcript NM_014712.3 (MANE Select); coding-DNA position 3966, one base deleted (C; older notation c.3966delC).
Protein change: p.Ala1323fs; shifts the reading frame from alanine 1323.
Molecular consequence: frameshift variant.
Genome position (GRCh38, 1-based): chr16:30,979,752, C deleted; the last of 3 consecutive C bases (chr16:30,979,750-30,979,752); deleting any one gives the same sequence. VCF-style (leftmost placement, unchanged base first): chr16-30979749-GC-G. GRCh37 (hg19) VCF-style: chr16-30991070-GC-G.
Other names: short protein forms A1323fs.
Identifiers: ClinVar variation 4851739 (VCV004851739.1).

ClinVar aggregate classification (germline): Likely pathogenic (1 of 4 stars; one submission).

Conditions:
SETD1A-related disorder. Also called: SETD1A-related condition.

Submission:

Greenwood Genetic Center Diagnostic Laboratories, Greenwood Genetic Center
Classification: Likely pathogenic for SETD1A-related disorder. Last evaluated: 2025-01-07. Review status: criteria provided, single submitter. Criteria: ACMG Guidelines, 2015. Collection method: clinical testing. Allele origin: germline. Affected: yes.
Comment: PVS1, PM2